The following is an entry in ClinVar:

NM_002180.3(IGHMBP2):c.741C>T (p.Ala247=)

Gene: IGHMBP2 (immunoglobulin mu DNA binding protein 2; plus strand). Cytogenetic location: 11q13.3.
Variant type: single nucleotide variant.
Coding change: c.741C>T on transcript NM_002180.3 (MANE Select); coding-DNA position 741, C replaced by T.
Protein change: p.Ala247=; no amino-acid change (alanine 247 retained).
Molecular consequence: synonymous variant.
Genome position (GRCh38, 1-based): chr11:68,914,852, C>T. VCF-style: chr11-68914852-C-T. GRCh37 (hg19) VCF-style: chr11-68682320-C-T.
Other names: p.Ala247=.
Identifiers: ClinVar variation 198145 (VCV000198145.77), dbSNP rs76707931, ClinGen allele CA203275.
Genomic context (GRCh38, chr11:68,914,852, plus strand): 5'-AAATGACCAGATCCTAACTTGCGGTTCCCAGGTTCTGTGCTGCGCCCCCTCCAACATCGC[C>T]GTGGACAATCTGGTGGAGCGCCTGGCTCTGTGTAAGCAGCGGATTCTGCGCCTGGGACAC-3'
Protein context (NP_002171.2, residues 237-257): KVLCCAPSNI[Ala247=]VDNLVERLAL

ClinVar aggregate classification (germline): Benign/Likely benign. Review status: criteria provided, multiple submitters, no conflicts (2 of 4 stars). 12 submissions from 12 submitters: Benign (8); Likely benign (4). Last evaluated 2026-09-01.

Conditions:
Inborn genetic diseases. Identifiers: MedGen C0950123, MeSH D030342.
Charcot-Marie-Tooth disease axonal type 2S. Also called: CHARCOT-MARIE-TOOTH DISEASE, AXONAL, AUTOSOMAL RECESSIVE, TYPE 2S; CHARCOT-MARIE-TOOTH NEUROPATHY, TYPE 2S. Identifiers: Orphanet 443073, MedGen C4015349, MONDO:0014511, OMIM 616155.
Autosomal recessive distal spinal muscular atrophy 1. Also called: NEURONOPATHY, DISTAL HEREDITARY MOTOR, HARDING TYPE VI; NEUROPATHY, DISTAL HEREDITARY MOTOR, AUTOSOMAL RECESSIVE 1; HMN VI; NEURONOPATHY, SEVERE INFANTILE AXONAL, WITH RESPIRATORY FAILURE; SEVERE INFANTILE AXONAL NEUROPATHY WITH RESPIRATORY FAILURE; SPINAL MUSCULAR ATROPHY, DIAPHRAGMATIC. Identifiers: Orphanet 98920, MedGen C1858517, MONDO:0011436, OMIM 604320.
Charcot-Marie-Tooth disease. Also called: Charcot-Marie-Tooth Hereditary Neuropathy; Charcot-Marie-Tooth Neuropathy. Identifiers: Orphanet 166, MedGen C0007959, MONDO:0015626.

Allele frequency attached by ClinVar (database versions not stated): 1000 Genomes Project 0.00479; 1000 Genomes Project 30x 0.00500; ESP Exome Variant Server 0.00500; gnomAD 0.00520 and 0.00542; TOPMed 0.00556; ExAC 0.00652; gnomAD exomes 0.00668 and 0.00682.
gnomAD v4.1: 10,691 of 1,614,250 alleles (0.66%); highest among the groups gnomAD compares: Middle Eastern, 2.6%; 80 homozygotes.

Submissions (12):

CeGaT Center for Human Genetics Tuebingen
Classification: Likely benign. Last evaluated: 2026-09-01. Review status: criteria provided, single submitter. Criteria: CeGaT Center For Human Genetics Tuebingen Variant Classification Criteria Version 2. Collection method: clinical testing. Allele origin: germline. Affected: yes. Observed: 47 variant alleles.
Comment: IGHMBP2: BP4, BP7, BS2

Labcorp Genetics (formerly Invitae), Labcorp
Classification: Benign for Autosomal recessive distal spinal muscular atrophy 1; Charcot-Marie-Tooth disease axonal type 2S. Last evaluated: 2026-01-27. Review status: criteria provided, single submitter. Criteria: Invitae Variant Classification Sherloc (09022015). Collection method: clinical testing. Allele origin: germline.

ARUP Laboratories, Molecular Genetics and Genomics, ARUP Laboratories
Classification: Benign. Last evaluated: 2025-02-24. Review status: criteria provided, single submitter. Criteria: ARUP Molecular Germline Variant Investigation Process 2024. Collection method: clinical testing. Allele origin: germline.

Ambry Genetics
Classification: Likely benign for Inborn genetic diseases. Last evaluated: 2019-07-11. Review status: criteria provided, single submitter. Criteria: Ambry Variant Classification Scheme 2023. Collection method: clinical testing. Allele origin: germline.

Athena Diagnostics
Classification: Benign. Last evaluated: 2018-11-08. Review status: criteria provided, single submitter. Criteria: Athena Diagnostics Criteria. Collection method: clinical testing. Allele origin: germline.

Illumina Laboratory Services, Illumina
Classification: Likely benign for Autosomal recessive distal spinal muscular atrophy 1. Last evaluated: 2018-01-13. Review status: criteria provided, single submitter. Criteria: ICSL Variant Classification Criteria 13 December 2019. Collection method: clinical testing. Allele origin: germline.
Comment: This variant was observed in the ICSL laboratory as part of a predisposition screen in an ostensibly healthy population. It had not been previously curated by ICSL or reported in the Human Gene Mutation Database (HGMD: prior to June 1st, 2018), and was therefore a candidate for classification through an automated scoring system. Utilizing variant allele frequency, disease prevalence and penetrance estimates, and inheritance mode, an automated score was calculated to assess if this variant is too frequent to cause the disease. Based on the score and internal cut-off values, a variant classified as likely benign is not then subjected to further curation. The score for this variant resulted in a classification of likely benign for this disease.

Mayo Clinic Laboratories, Mayo Clinic
Classification: Benign. Last evaluated: 2016-08-18. Review status: criteria provided, single submitter. Criteria: ACMG Guidelines, 2015. Collection method: clinical testing. Allele origin: germline. Observed: 41 variant alleles.

GeneDx
Classification: Benign. Last evaluated: 2015-03-03. Review status: criteria provided, single submitter. Criteria: GeneDx Variant Classification Process June 2021. Collection method: clinical testing. Allele origin: germline. Affected: yes.

Eurofins Ntd Llc (ga)
Classification: Benign. Last evaluated: 2014-11-14. Review status: criteria provided, single submitter. Criteria: EGL Classification Definitions 2015. Collection method: clinical testing. Allele origin: germline. Observed: 2 variant alleles, 2 heterozygotes.

Breakthrough Genomics
Classification: Likely benign. Review status: criteria provided, single submitter. Criteria: ACMG Guidelines, 2015. Collection method: not provided. Allele origin: germline. Inheritance: Autosomal recessive inheritance. Affected: yes.

Molecular Genetics Laboratory, London Health Sciences Centre
Classification: Benign for Charcot-Marie-Tooth disease. Review status: criteria provided, single submitter. Criteria: ACMG Guidelines, 2015. Collection method: clinical testing. Allele origin: germline. Affected: yes.

PreventionGenetics, part of Exact Sciences
Classification: Benign. Review status: criteria provided, single submitter. Criteria: ACMG Guidelines, 2015. Collection method: clinical testing. Allele origin: germline.